The following is an entry in ClinVar:

ClinVar aggregate classification (germline): Likely benign (0 of 4 stars; one submission).

Conditions:
TOP3A-related disorder. Also called: TOP3A-related disorders; TOP3A-related condition.

Allele frequency attached by ClinVar (database versions not stated): gnomAD exomes 0.00001; TOPMed 0.00001; ExAC 0.00002; gnomAD 0.00003; 1000 Genomes Project 30x 0.00031; 1000 Genomes Project 0.00040.
gnomAD v4.1: 22 of 1,614,016 alleles (0.0014%); highest among the groups gnomAD compares: Middle Eastern, 0.033%; no homozygotes.

Submission:

PreventionGenetics, part of Exact Sciences
Classification: Likely benign for TOP3A-related condition. Last evaluated: 2019-04-29. Review status: no assertion criteria provided. Collection method: clinical testing. Allele origin: germline.
Comment: This variant is classified as likely benign based on ACMG/AMP sequence variant interpretation guidelines (Richards et al. 2015 PMID: 25741868, with internal and published modifications).

NM_004618.5(TOP3A):c.967C>A (p.Arg323=)

Gene: TOP3A (DNA topoisomerase III alpha; minus strand). Cytogenetic location: 17p11.2.
Variant type: single nucleotide variant.
Coding change: c.967C>A on transcript NM_004618.5 (MANE Select); coding-DNA position 967, C replaced by A.
Protein change: p.Arg323=; no amino-acid change (arginine 323 retained).
Molecular consequence: synonymous variant.
Genome position (GRCh38, 1-based): chr17:18,299,582, G>T on the plus strand (C>A on the coding strand, the complement: TOP3A is on the minus strand). VCF-style: chr17-18299582-G-T. GRCh37 (hg19) VCF-style: chr17-18202896-G-T.
Other names: c.682C>A, p.Arg228= (NM_001320759.2).
Identifiers: ClinVar variation 3055276 (VCV003055276.2), dbSNP rs138933272, ClinGen allele CA8430058.
Genomic context (GRCh38, chr17:18,299,582, plus strand): 5'-TTCCCCGAGTGCCTGAAACAGCCTGTCTGGAACATACCACAGTGTCCAAGGCTTGAGGCC[G>T]CCACTTGCTCTTGGGCTTAGATCTGACCTCTACCACAGTTGCCATGGGATCCTAGAAAGC-3'
Protein context (NP_004609.1, residues 313-333): EVRSKPKSKW[Arg323=]PQALDTVELE